The following is an entry in ClinVar:

NM_000661.5(RPL9):c.58C>G (p.Leu20Val)

Gene: RPL9 (ribosomal protein L9; minus strand). Cytogenetic location: 4p14.
Variant type: single nucleotide variant.
Coding change: c.58C>G on transcript NM_000661.5 (MANE Select); coding-DNA position 58, C replaced by G.
Protein change: p.Leu20Val; replaces leucine 20 with valine.
Molecular consequence: missense variant.
Genome position (GRCh38, 1-based): chr4:39,458,298, G>C on the plus strand (C>G on the coding strand, the complement: RPL9 is on the minus strand). VCF-style: chr4-39458298-G-C. GRCh37 (hg19) VCF-style: chr4-39459918-G-C.
Other names: c.58C>G, p.Leu20Val (NM_001024921.4); short protein forms L20V.
Identifiers: ClinVar variation 4753092 (VCV004753092.1).

ClinVar aggregate classification (germline): Uncertain significance (1 of 4 stars; one submission).

gnomAD v4.1: 20 of 1,614,034 alleles (0.0012%); highest among the groups gnomAD compares: Non-Finnish European, 0.0016%; no homozygotes.

Submission:

Labcorp Genetics (formerly Invitae), Labcorp
Classification: Uncertain significance. Last evaluated: 2025-05-03. Review status: criteria provided, single submitter. Criteria: Invitae Variant Classification Sherloc (09022015). Collection method: clinical testing. Allele origin: germline.
Comment: This sequence change replaces leucine, which is neutral and non-polar, with valine, which is neutral and non-polar, at codon 20 of the RPL9 protein (p.Leu20Val). This variant is present in population databases (rs376896159, gnomAD 0.007%). This variant has not been reported in the literature in individuals affected with RPL9-related conditions. An algorithm developed to predict the effect of missense changes on protein structure and function (PolyPhen-2) suggests that this variant is likely to be tolerated. In summary, the available evidence is currently insufficient to determine the role of this variant in disease. Therefore, it has been classified as a Variant of Uncertain Significance.